The following is an entry in ClinVar:

NM_024702.3(ZNF750):c.1644C>T (p.Asp548=)

Genes: TBCD (tubulin folding cofactor D), ZNF750 (zinc finger protein 750; minus strand). Cytogenetic location: 17q25.3.
Variant type: single nucleotide variant.
Coding change: c.1644C>T on transcript NM_024702.3 (MANE Select); coding-DNA position 1644, C replaced by T.
Protein change: p.Asp548=; no amino-acid change (aspartic acid 548 retained).
Molecular consequence: synonymous variant. On other transcripts: intron variant (3).
Genome position (GRCh38, 1-based): chr17:82,830,670, G>A on the plus strand (C>T on the coding strand, the complement: ZNF750 is on the minus strand). VCF-style: chr17-82830670-G-A. GRCh37 (hg19) VCF-style: chr17-80788546-G-A.
Other names: c.1318+15736G>A (NM_005993.5, NM_001411102.1); c.1267+15736G>A (NM_001411101.1).
Identifiers: ClinVar variation 2648500 (VCV002648500.24), dbSNP rs138155684, ClinGen allele CA8862143.
Genomic context (GRCh38, chr17:82,830,670, plus strand): 5'-GAAGGCAGGCCTCGGAGCCTGGGTGTTACAGGGGTCCTTCACCGAGAGATTGAGTGGAAG[G>A]TCCTGCAGCTCTGAGAAGCTGGCGGTTTCCGCCTGGGGGCTGCCTTGGTACGTGGGTTCG-3'
Protein context (NP_078978.2, residues 538-558): AETASFSELQ[Asp548=]LPLNLSVKDP

ClinVar aggregate classification (germline): Likely benign (1 of 4 stars; one submission).

Allele frequency attached by ClinVar (database versions not stated): ExAC 0.00055; 1000 Genomes Project 0.00060; gnomAD 0.00068; 1000 Genomes Project 30x 0.00078; gnomAD exomes 0.00088; TOPMed 0.00090; ESP Exome Variant Server 0.00100.
gnomAD v4.1: 1,385 of 1,614,154 alleles (0.086%); highest among the groups gnomAD compares: Admixed American, 0.14%; 1 homozygote.

Submission:

CeGaT Center for Human Genetics Tuebingen
Classification: Likely benign. Last evaluated: 2023-10-01. Review status: criteria provided, single submitter. Criteria: CeGaT Center For Human Genetics Tuebingen Variant Classification Criteria Version 2. Collection method: clinical testing. Allele origin: germline. Affected: yes. Observed: 1 variant allele.
Comment: ZNF750: BP4, BP7